The following is an entry in ClinVar:

NM_052963.3(TOP1MT):c.839T>C (p.Phe280Ser)

Gene: TOP1MT (DNA topoisomerase I mitochondrial; minus strand). Cytogenetic location: 8q24.3.
Variant type: single nucleotide variant.
Coding change: c.839T>C on transcript NM_052963.3 (MANE Select); coding-DNA position 839, T replaced by C.
Protein change: p.Phe280Ser; replaces phenylalanine 280 with serine.
Molecular consequence: missense variant.
Genome position (GRCh38, 1-based): chr8:143,324,120, A>G on the plus strand (T>C on the coding strand, the complement: TOP1MT is on the minus strand). VCF-style: chr8-143324120-A-G. GRCh37 (hg19) VCF-style: chr8-144406290-A-G.
Other names: c.545T>C, p.Phe182Ser (NM_001258446.1, NM_001258447.1); short protein forms F280S, F182S.
Identifiers: ClinVar variation 3009644 (VCV003009644.3), dbSNP rs940604315, ClinGen allele CA187531854.
Genomic context (GRCh38, chr8:143,324,120, plus strand): 5'-TCAGCCCGGTACTGGGAGCGGATCTCGTCCACAAATCCCCGCAGGCGTCGAGCTGTTTCA[A>G]ACTTCTGCCAAGCTGTCTCCCCCTAAACGAAGAAAATAACAGGAAAGAAAACATTCACAT-3'
Protein context (NP_443195.1, residues 270-290): KLKGETAWQK[Phe280Ser]ETARRLRGFV

ClinVar aggregate classification (germline): Uncertain significance (1 of 4 stars; one submission).

Allele frequency attached by ClinVar (database versions not stated): gnomAD 0.00001; gnomAD exomes 0.00001.
gnomAD v4.1: 6 of 1,613,686 alleles (0.00037%); highest among the groups gnomAD compares: Admixed American, 0.0017%; no homozygotes.

Submission:

Labcorp Genetics (formerly Invitae), Labcorp
Classification: Uncertain significance. Last evaluated: 2023-07-03. Review status: criteria provided, single submitter. Criteria: Invitae Variant Classification Sherloc (09022015). Collection method: clinical testing. Allele origin: germline.
Comment: This sequence change replaces phenylalanine, which is neutral and non-polar, with serine, which is neutral and polar, at codon 280 of the TOP1MT protein (p.Phe280Ser). This variant is present in population databases (no rsID available, gnomAD 0.003%). This variant has not been reported in the literature in individuals affected with TOP1MT-related conditions. Advanced modeling of protein sequence and biophysical properties (such as structural, functional, and spatial information, amino acid conservation, physicochemical variation, residue mobility, and thermodynamic stability) performed at Invitae indicates that this missense variant is expected to disrupt TOP1MT protein function. In summary, the available evidence is currently insufficient to determine the role of this variant in disease. Therefore, it has been classified as a Variant of Uncertain Significance.